The following is an entry in ClinVar:

ClinVar aggregate classification (germline): Uncertain significance (1 of 4 stars; one submission).

Conditions:
Myopathy with tubular aggregates (TAM). Also called: Tubular Aggregate Myopathy. Identifiers: Orphanet 2593, MedGen C0410207, MONDO:0008051.
Stormorken syndrome (STRMK). Also called: THROMBOCYTOPATHY, ASPLENIA, AND MIOSIS. Identifiers: Orphanet 3204, MedGen C1861451, MONDO:0008497, OMIM 185070.
Combined immunodeficiency due to STIM1 deficiency. Also called: STIM1 DEFICIENCY; IMMUNODEFICIENCY 10. Identifiers: Orphanet 169090, Orphanet 317430, MedGen C2748557, MONDO:0013008, OMIM 612783.

Submission:

Labcorp Genetics (formerly Invitae), Labcorp
Classification: Uncertain significance for Myopathy with tubular aggregates; Combined immunodeficiency due to STIM1 deficiency; Stormorken syndrome. Last evaluated: 2022-04-12. Review status: criteria provided, single submitter. Criteria: Invitae Variant Classification Sherloc (09022015). Collection method: clinical testing. Allele origin: germline.
Comment: In summary, the available evidence is currently insufficient to determine the role of this variant in disease. Therefore, it has been classified as a Variant of Uncertain Significance. Algorithms developed to predict the effect of missense changes on protein structure and function are either unavailable or do not agree on the potential impact of this missense change (SIFT: "Deleterious"; PolyPhen-2: "Benign"; Align-GVGD: "Class C15"). This variant has not been reported in the literature in individuals affected with STIM1-related conditions. This variant is not present in population databases (gnomAD no frequency). This sequence change replaces phenylalanine, which is neutral and non-polar, with tyrosine, which is neutral and polar, at codon 91 of the STIM1 protein (p.Phe91Tyr).

NM_001382567.1(STIM1):c.272T>A (p.Phe91Tyr)

Gene: STIM1 (stromal interaction molecule 1; plus strand). Cytogenetic location: 11p15.4.
Variant type: single nucleotide variant.
Coding change: c.272T>A on transcript NM_001382567.1 (MANE Select); coding-DNA position 272, T replaced by A.
Protein change: p.Phe91Tyr; replaces phenylalanine 91 with tyrosine.
Molecular consequence: missense variant. On other transcripts: 5 prime UTR variant (3), non-coding transcript variant (3).
Genome position (GRCh38, 1-based): chr11:4,023,874, T>A. VCF-style: chr11-4023874-T-A. GRCh37 (hg19) VCF-style: chr11-4045104-T-A.
Other names: c.272T>A, p.Phe91Tyr (NM_001277961.3, NM_001277962.2, NM_001382568.1 and 3 more transcripts); c.50T>A, p.Phe17Tyr (NM_001382566.1, NM_001382573.1, NM_001382574.1 and 5 more transcripts); c.137T>A, p.Phe46Tyr (NM_001382569.1); c.-97T>A (NM_001382571.1); c.-218T>A (NM_001382580.1, NM_001382581.1); short protein forms F17Y, F46Y, F91Y.
Identifiers: ClinVar variation 2125091 (VCV002125091.4), dbSNP rs2497905916, ClinGen allele CA379485152.
Genomic context (GRCh38, chr11:4,023,874, plus strand): 5'-AGATCTTGACGGGCTGACTCCTAGGTATCTCTTGTGACTTGTGTACTTTTCCCTTGCAGT[T>A]CCTGAGGGAAGACCTCAATTACCATGACCCAACAGTGAAACACAGCACCTTCCATGGTGA-3'
Protein context (NP_001369496.1, residues 81-101): GDVDVEESDE[Phe91Tyr]LREDLNYHDP